The following is an entry in ClinVar:

ClinVar aggregate classification (germline): Uncertain significance. Review status: criteria provided, single submitter (1 of 4 stars). 2 submissions from 2 submitters: Uncertain significance (1). 1 of the submissions does not count toward it. Last evaluated 2025-07-01.

Conditions:
Intellectual disability. Also called: intellectual disabilities; Intellectual developmental disorder; Intellectual functioning disability. Identifiers: MedGen C3714756, MeSH D008607, MONDO:0001071, HP:0001249.

Submissions (2):

GeneDx
Classification: Uncertain significance. Last evaluated: 2025-07-01. Review status: criteria provided, single submitter. Criteria: GeneDx Variant Classification Process June 2021. Collection method: clinical testing. Allele origin: germline. Affected: yes.
Comment: Not observed at significant frequency in large population cohorts (gnomAD); In silico analysis suggests that this missense variant does not alter protein structure/function; Has not been previously published as pathogenic or benign to our knowledge

Centre de Biologie Pathologie Génétique, Centre Hospitalier Universitaire de Lille
Classification: Uncertain significance for Intellectual disability. Last evaluated: 2019-01-01. Review status: no assertion criteria provided. Collection method: clinical testing. Allele origin: unknown. Affected: yes. Not counted in ClinVar's aggregate classification.

NM_015559.3(SETBP1):c.4675G>A (p.Ala1559Thr)

Gene: SETBP1 (SET binding protein 1; plus strand). Cytogenetic location: 18q12.3.
Variant type: single nucleotide variant.
Coding change: c.4675G>A on transcript NM_015559.3 (MANE Select); coding-DNA position 4675, G replaced by A.
Protein change: p.Ala1559Thr; replaces alanine 1559 with threonine.
Molecular consequence: missense variant.
Genome position (GRCh38, 1-based): chr18:45,063,582, G>A. VCF-style: chr18-45063582-G-A. GRCh37 (hg19) VCF-style: chr18-42643547-G-A.
Other names: c.4675G>A, p.Ala1559Thr (NM_001379141.1, NM_001379142.1); short protein forms A1559T.
Identifiers: ClinVar variation 975770 (VCV000975770.2), dbSNP rs2073926608, ClinGen allele CA402483908.